The following is an entry in ClinVar:

ClinVar aggregate classification (germline): Likely benign (1 of 4 stars; one submission).

Allele frequency attached by ClinVar (database versions not stated): gnomAD exomes below 0.00001.

Submission:

CeGaT Center for Human Genetics Tuebingen
Classification: Likely benign. Last evaluated: 2022-09-01. Review status: criteria provided, single submitter. Criteria: CeGaT Center For Human Genetics Tuebingen Variant Classification Criteria Version 2. Collection method: clinical testing. Allele origin: germline. Affected: yes. Observed: 1 variant allele.
Comment: MUC5B: PM2:Supporting, BP4, BP7

NM_002458.3(MUC5B):c.13248G>A (p.Gly4416=)

Gene: MUC5B (mucin 5B, oligomeric mucus/gel-forming; plus strand). Cytogenetic location: 11p15.5.
Variant type: single nucleotide variant.
Coding change: c.13248G>A on transcript NM_002458.3 (MANE Select); coding-DNA position 13248, G replaced by A.
Protein change: p.Gly4416=; no amino-acid change (glycine 4416 retained).
Molecular consequence: synonymous variant.
Genome position (GRCh38, 1-based): chr11:1,250,128, G>A. VCF-style: chr11-1250128-G-A. GRCh37 (hg19) VCF-style: chr11-1271358-G-A.
Identifiers: ClinVar variation 2641292 (VCV002641292.24), dbSNP rs2494243349, ClinGen allele CA472454613.